The following is an entry in ClinVar:

NM_020771.4(HACE1):c.1747G>C (p.Ala583Pro)

Gene: HACE1 (HECT domain and ankyrin repeat containing E3 ubiquitin protein ligase 1; minus strand). Cytogenetic location: 6q16.3.
Variant type: single nucleotide variant.
Coding change: c.1747G>C on transcript NM_020771.4 (MANE Select); coding-DNA position 1747, G replaced by C.
Protein change: p.Ala583Pro; replaces alanine 583 with proline.
Molecular consequence: missense variant. On other transcripts: non-coding transcript variant (7).
Genome position (GRCh38, 1-based): chr6:104,777,042, C>G on the plus strand (G>C on the coding strand, the complement: HACE1 is on the minus strand). VCF-style: chr6-104777042-C-G. GRCh37 (hg19) VCF-style: chr6-105224917-C-G.
Other names: c.1615G>C, p.Ala539Pro (NM_001321080.2); c.1645G>C, p.Ala549Pro (NM_001321083.2); c.1243G>C, p.Ala415Pro (NM_001321084.2, NM_001350557.2, NM_001350558.2); c.1513G>C, p.Ala505Pro (NM_001350554.2); c.1456G>C, p.Ala486Pro (NM_001350555.2); c.1261G>C, p.Ala421Pro (NM_001350556.2); c.1165G>C, p.Ala389Pro (NM_001350559.2); c.964G>C, p.Ala322Pro (NM_001350560.2); short protein forms A415P, A505P, A389P, A486P, A549P, A583P, A539P, A322P.
Identifiers: ClinVar variation 1995966 (VCV001995966.1), dbSNP rs2483143701, ClinGen allele CA365134620.

ClinVar aggregate classification (germline): Uncertain significance (1 of 4 stars; one submission).

Submission:

Labcorp Genetics (formerly Invitae), Labcorp
Classification: Uncertain significance. Last evaluated: 2022-08-19. Review status: criteria provided, single submitter. Criteria: Invitae Variant Classification Sherloc (09022015). Collection method: clinical testing. Allele origin: germline.
Comment: This sequence change replaces alanine, which is neutral and non-polar, with proline, which is neutral and non-polar, at codon 583 of the HACE1 protein (p.Ala583Pro). This variant is not present in population databases (gnomAD no frequency). This variant has not been reported in the literature in individuals affected with HACE1-related conditions. Algorithms developed to predict the effect of missense changes on protein structure and function (SIFT, PolyPhen-2, Align-GVGD) all suggest that this variant is likely to be disruptive. In summary, the available evidence is currently insufficient to determine the role of this variant in disease. Therefore, it has been classified as a Variant of Uncertain Significance.